The following is an entry in ClinVar:

NM_020791.4(TAOK1):c.1886T>C (p.Leu629Ser)

Gene: TAOK1 (TAO kinase 1; plus strand). Cytogenetic location: 17q11.2.
Variant type: single nucleotide variant.
Coding change: c.1886T>C on transcript NM_020791.4 (MANE Select); coding-DNA position 1886, T replaced by C.
Protein change: p.Leu629Ser; replaces leucine 629 with serine.
Molecular consequence: missense variant. On other transcripts: intron variant (1).
Genome position (GRCh38, 1-based): chr17:29,517,634, T>C. VCF-style: chr17-29517634-T-C. GRCh37 (hg19) VCF-style: chr17-27844652-T-C.
Other names: c.1704+6642T>C (NM_025142.1); short protein forms L629S.
Identifiers: ClinVar variation 3602866 (VCV003602866.1).

ClinVar aggregate classification (germline): Uncertain significance (1 of 4 stars; one submission).

Submission:

GeneDx
Classification: Uncertain significance. Last evaluated: 2024-08-07. Review status: criteria provided, single submitter. Criteria: GeneDx Variant Classification Process June 2021. Collection method: clinical testing. Allele origin: germline. Affected: yes.
Comment: Not observed at significant frequency in large population cohorts (gnomAD); In silico analysis supports that this missense variant has a deleterious effect on protein structure/function; Has not been previously published as pathogenic or benign to our knowledge